The following is an entry in ClinVar:

NM_000130.5(F5):c.2339C>T (p.Pro780Leu)

Gene: F5 (coagulation factor V; minus strand). Cytogenetic location: 1q24.2.
Variant type: single nucleotide variant.
Coding change: c.2339C>T on transcript NM_000130.5 (MANE Select); coding-DNA position 2339, C replaced by T.
Protein change: p.Pro780Leu; replaces proline 780 with leucine.
Molecular consequence: missense variant.
Genome position (GRCh38, 1-based): chr1:169,542,751, G>A on the plus strand (C>T on the coding strand, the complement: F5 is on the minus strand). VCF-style: chr1-169542751-G-A. GRCh37 (hg19) VCF-style: chr1-169511989-G-A.
Other names: short protein forms P780L.
Identifiers: ClinVar variation 3709602 (VCV003709602.2), dbSNP rs200146772.

ClinVar aggregate classification (germline): Uncertain significance. Review status: criteria provided, multiple submitters, no conflicts (2 of 4 stars). 2 submissions from 2 submitters: Uncertain significance (2). Last evaluated 2025-01-26.

Conditions:
Congenital factor V deficiency. Also called: Hereditary factor V deficiency disease; OWREN PARAHEMOPHILIA; PARAHEMOPHILIA; LABILE FACTOR DEFICIENCY. Identifiers: Orphanet 326, MedGen C0015499, MONDO:0009210, OMIM 227400.

Allele frequency attached by ClinVar (database versions not stated): 1000 Genomes Project 0.00020; gnomAD exomes 0.00023; gnomAD 0.00034; TOPMed 0.00007; ESP Exome Variant Server 0.00008; ExAC 0.00019.
gnomAD v4.1: 191 of 1,614,086 alleles (0.012%); highest among the groups gnomAD compares: Non-Finnish European, 0.0055%; 1 homozygote.

Submissions (2):

Labcorp Genetics (formerly Invitae), Labcorp
Classification: Uncertain significance for Congenital factor V deficiency. Last evaluated: 2025-01-26. Review status: criteria provided, single submitter. Criteria: Invitae Variant Classification Sherloc (09022015). Collection method: clinical testing. Allele origin: germline.
Comment: This sequence change replaces proline, which is neutral and non-polar, with leucine, which is neutral and non-polar, at codon 780 of the F5 protein (p.Pro780Leu). This variant is present in population databases (rs200146772, gnomAD 0.2%). This variant has not been reported in the literature in individuals affected with F5-related conditions. Invitae Evidence Modeling of protein sequence and biophysical properties (such as structural, functional, and spatial information, amino acid conservation, physicochemical variation, residue mobility, and thermodynamic stability) indicates that this missense variant is not expected to disrupt F5 protein function with a negative predictive value of 80%. In summary, the available evidence is currently insufficient to determine the role of this variant in disease. Therefore, it has been classified as a Variant of Uncertain Significance.

Blueprint Genetics
Classification: Uncertain significance. Last evaluated: 2024-10-07. Review status: criteria provided, single submitter. Criteria: ACMG Guidelines, 2015. Collection method: clinical testing. Allele origin: germline.